The following is an entry in ClinVar:

ClinVar aggregate classification (germline): Uncertain significance (1 of 4 stars; one submission).

Conditions:
Joubert syndrome. Also called: Familial aplasia of the vermis; CEREBELLOPARENCHYMAL DISORDER IV; JOUBERT-BOLTSHAUSER SYNDROME. Identifiers: Orphanet 475, MedGen C5979921, MONDO:0018772.

Submission:

Labcorp Genetics (formerly Invitae), Labcorp
Classification: Uncertain significance for Joubert syndrome. Last evaluated: 2022-07-06. Review status: criteria provided, single submitter. Criteria: Invitae Variant Classification Sherloc (09022015). Collection method: clinical testing. Allele origin: germline.
Comment: This sequence change falls in intron 3 of the TMEM216 gene. It does not directly change the encoded amino acid sequence of the TMEM216 protein. It affects a nucleotide within the consensus splice site. This variant is not present in population databases (gnomAD no frequency). This variant has not been reported in the literature in individuals affected with TMEM216-related conditions. ClinVar contains an entry for this variant (Variation ID: 934317). Variants that disrupt the consensus splice site are a relatively common cause of aberrant splicing (PMID: 17576681, 9536098). Algorithms developed to predict the effect of sequence changes on RNA splicing suggest that this variant may create or strengthen a splice site. In summary, the available evidence is currently insufficient to determine the role of this variant in disease. Therefore, it has been classified as a Variant of Uncertain Significance.

Literature cited by the submitters: PubMed 17576681; PubMed 9536098.

NM_001173990.3(TMEM216):c.229+5G>A

Gene: TMEM216 (transmembrane protein 216; plus strand). Cytogenetic location: 11q12.2.
Variant type: single nucleotide variant.
Coding change: c.229+5G>A on transcript NM_001173990.3 (MANE Select); 5 bases into the intron after coding-DNA position 229, G replaced by A.
Molecular consequence: intron variant.
Genome position (GRCh38, 1-based): chr11:61,393,981, G>A. VCF-style: chr11-61393981-G-A. GRCh37 (hg19) VCF-style: chr11-61161453-G-A.
Other names: c.46+5G>A (NM_016499.6, NM_001330285.2); c.229+5G>A (NM_001173991.3).
Identifiers: ClinVar variation 934317 (VCV000934317.5), dbSNP rs1858740729, ClinGen allele CA1139661976.